The following is an entry in ClinVar:

ClinVar aggregate classification (germline): Likely benign (1 of 4 stars; one submission).

Submission:

CeGaT Center for Human Genetics Tuebingen
Classification: Likely benign. Last evaluated: 2026-02-01. Review status: criteria provided, single submitter. Criteria: CeGaT Center For Human Genetics Tuebingen Variant Classification Criteria Version 2. Collection method: clinical testing. Allele origin: germline. Affected: yes. Observed: 1 variant allele.
Comment: PEPD: PM2:Supporting, BP4, BP7

NM_000285.4(PEPD):c.579G>A (p.Glu193=)

Gene: PEPD (peptidase D; minus strand). Cytogenetic location: 19q13.11.
Variant type: single nucleotide variant.
Coding change: c.579G>A on transcript NM_000285.4 (MANE Select); coding-DNA position 579, G replaced by A.
Protein change: p.Glu193=; no amino-acid change (glutamic acid 193 retained).
Molecular consequence: synonymous variant. On other transcripts: intron variant (1).
Genome position (GRCh38, 1-based): chr19:33,464,032, C>T on the plus strand (G>A on the coding strand, the complement: PEPD is on the minus strand). VCF-style: chr19-33464032-C-T. GRCh37 (hg19) VCF-style: chr19-33954938-C-T.
Other names: c.387G>A, p.Glu129= (NM_001166057.2); c.548+14014G>A (NM_001166056.2).
Identifiers: ClinVar variation 4823363 (VCV004823363.4).
Genomic context (GRCh38, chr19:33,464,032, plus strand): 5'-CGGTGCCTGACTTACCTCACGGTGGGCCTCGCTGGAGATTTTATTGGTATAGCGCAGAAC[C>T]TCCAGCTCCATATCCGTCTTAAACACTCGGCTTCAGAGACAGAAGAACAAAGCAGCAAAT-3'
Protein context (NP_000276.2, residues 183-203): CRVFKTDMEL[Glu193=]VLRYTNKISS